The following is an entry in ClinVar:

ClinVar aggregate classification (germline): Uncertain significance. Review status: criteria provided, multiple submitters, no conflicts (2 of 4 stars). 2 submissions from 2 submitters: Uncertain significance (2). Last evaluated 2023-09-29.

Conditions:
Inborn genetic diseases. Identifiers: MedGen C0950123, MeSH D030342.

Allele frequency attached by ClinVar (database versions not stated): ExAC 0.00002; gnomAD 0.00002; gnomAD exomes 0.00002 and 0.00003; TOPMed 0.00003.
gnomAD v4.1: 52 of 1,607,178 alleles (0.0032%); highest among the groups gnomAD compares: Non-Finnish European, 0.0039%; no homozygotes.

Submissions (2):

Ambry Genetics
Classification: Uncertain significance for Inborn genetic diseases. Last evaluated: 2023-09-29. Review status: criteria provided, single submitter. Criteria: Ambry Variant Classification Scheme 2023. Collection method: clinical testing. Allele origin: germline.

Labcorp Genetics (formerly Invitae), Labcorp
Classification: Uncertain significance. Last evaluated: 2022-06-24. Review status: criteria provided, single submitter. Criteria: Invitae Variant Classification Sherloc (09022015). Collection method: clinical testing. Allele origin: germline.
Comment: This sequence change replaces serine, which is neutral and polar, with phenylalanine, which is neutral and non-polar, at codon 47 of the TNFSF11 protein (p.Ser47Phe). This variant is present in population databases (rs757600401, gnomAD 0.005%). This variant has not been reported in the literature in individuals affected with TNFSF11-related conditions. Algorithms developed to predict the effect of missense changes on protein structure and function output the following: SIFT: "Tolerated"; PolyPhen-2: "Benign"; Align-GVGD: "Class C0". The phenylalanine amino acid residue is found in multiple mammalian species, which suggests that this missense change does not adversely affect protein function. In summary, the available evidence is currently insufficient to determine the role of this variant in disease. Therefore, it has been classified as a Variant of Uncertain Significance.

NM_003701.4(TNFSF11):c.140C>T (p.Ser47Phe)

Genes: TNFSF11 (TNF superfamily member 11; plus strand), LOC130009662 (ATAC-STARR-seq lymphoblastoid silent region 5301; plus strand). Cytogenetic location: 13q14.11.
Variant type: single nucleotide variant.
Coding change: c.140C>T on transcript NM_003701.4 (MANE Select); coding-DNA position 140, C replaced by T.
Protein change: p.Ser47Phe; replaces serine 47 with phenylalanine.
Molecular consequence: missense variant. On other transcripts: intron variant (1).
Genome position (GRCh38, 1-based): chr13:42,574,443, C>T. VCF-style: chr13-42574443-C-T. GRCh37 (hg19) VCF-style: chr13-43148579-C-T.
Other names: c.-1+2705C>T (NM_033012.4); c.140C>T (NM_003701.3); short protein forms S47F.
Identifiers: ClinVar variation 1524135 (VCV001524135.4), dbSNP rs757600401, ClinGen allele CA6967135.
Genomic context (GRCh38, chr13:42,574,443, plus strand): 5'-AGGGCCCCCTGCACGCCCCGCCGCCGCCTGCGCCGCACCAGCCCCCTGCCGCCTCCCGCT[C>T]CATGTTCGTGGCCCTCCTGGGGCTGGGGCTGGGCCAGGTTGTCTGCAGCGTCGCCCTGTT-3'
Protein context (NP_003692.1, residues 37-57): APHQPPAASR[Ser47Phe]MFVALLGLGL